The following is an entry in ClinVar:

ClinVar aggregate classification (germline): Uncertain significance (1 of 4 stars; one submission).

Conditions:
Catecholaminergic polymorphic ventricular tachycardia (CVPT). Also called: Catecholamine-induced polymorphic ventricular tachycardia. Identifiers: Orphanet 3286, MedGen C5574922, MONDO:0017990.

Submission:

All of Us Research Program, National Institutes of Health
Classification: Uncertain significance for Catecholaminergic polymorphic ventricular tachycardia. Last evaluated: 2023-04-27. Review status: criteria provided, single submitter. Criteria: ACMG Guidelines, 2015. Collection method: clinical testing. Allele origin: germline. Inheritance: Autosomal dominant inheritance. Observed: 1 variant allele, 1 heterozygote.
Comment: This study involves interpretation of variants in research participants for the purpose of population health screening. Participant phenotype was not available at the time of variant classification. Additional details can be found in publication PMID: 35346344, PMCID: PMC8962531

NM_001035.3(RYR2):c.3341G>A (p.Arg1114Lys)

Gene: RYR2 (ryanodine receptor 2; plus strand). Cytogenetic location: 1q43.
Variant type: single nucleotide variant.
Coding change: c.3341G>A on transcript NM_001035.3 (MANE Select); coding-DNA position 3341, G replaced by A.
Protein change: p.Arg1114Lys; replaces arginine 1114 with lysine.
Molecular consequence: missense variant.
Genome position (GRCh38, 1-based): chr1:237,566,693, G>A. VCF-style: chr1-237566693-G-A. GRCh37 (hg19) VCF-style: chr1-237729993-G-A.
Other names: short protein forms R1114K.
Identifiers: ClinVar variation 3070038 (VCV003070038.1), dbSNP rs2546425355, ClinGen allele CA071459.
Genomic context (GRCh38, chr1:237,566,693, plus strand): 5'-ATGCAGTGAAGGCCGGACGGTGGTATTTTGAATTTGAGACGGTCACTGCTGGAGACATGA[G>A]GGTTGGTTGGAGTCGTCCTGGTTGTCAACCGGATCAGGAGCTTGGCTCAGATGAACGTGC-3'
Protein context (NP_001026.2, residues 1104-1124): EFETVTAGDM[Arg1114Lys]VGWSRPGCQP